The following is an entry in ClinVar:

NM_003024.3(ITSN1):c.121G>A (p.Gly41Ser)

Gene: ITSN1 (intersectin 1; plus strand). Cytogenetic location: 21q22.11.
Variant type: single nucleotide variant.
Coding change: c.121G>A on transcript NM_003024.3 (MANE Select); coding-DNA position 121, G replaced by A.
Protein change: p.Gly41Ser; replaces glycine 41 with serine.
Molecular consequence: missense variant.
Genome position (GRCh38, 1-based): chr21:33,721,270, G>A. VCF-style: chr21-33721270-G-A. GRCh37 (hg19) VCF-style: chr21-35093575-G-A.
Other names: c.121G>A, p.Gly41Ser (NM_001001132.2, NM_001331008.2, NM_001331009.2 and 3 more transcripts); short protein forms G41S.
Identifiers: ClinVar variation 3901429 (VCV003901429.1).
Genomic context (GRCh38, chr21:33,721,270, plus strand): 5'-GAAAGAGCGAAGCATGATCAGCAGTTCCATAGTTTAAAGCCAATATCTGGATTCATTACT[G>A]GTAATCACAGTCAGCATTTTTTCATTTTTACTTATCAGTAGTGCAGATGTCTGTGGAAAC-3'
Protein context (NP_003015.2, residues 31-51): SLKPISGFIT[Gly41Ser]DQARNFFFQS

ClinVar aggregate classification (germline): Uncertain significance (1 of 4 stars; one submission).

Submission:

GeneDx
Classification: Uncertain significance. Last evaluated: 2024-12-08. Review status: criteria provided, single submitter. Criteria: GeneDx Variant Classification Process June 2021. Collection method: clinical testing. Allele origin: germline. Affected: yes.
Comment: Not observed at significant frequency in large population cohorts (gnomAD); In silico analysis, which includes splice predictors and evolutionary conservation, suggests this variant may damage or destroy the splice donor site and impact gene splicing. In the absence of RNA/functional studies, the actual effect of this sequence change is unknown; Has not been previously published as pathogenic or benign to our knowledge